The following is an entry in ClinVar:

ClinVar aggregate classification (germline): Uncertain significance (1 of 4 stars; one submission).

gnomAD v4.1: 2 of 1,613,916 alleles (0.00012%); highest among the groups gnomAD compares: Non-Finnish European, 0.00017%; no homozygotes.

Submission:

Labcorp Genetics (formerly Invitae), Labcorp
Classification: Uncertain significance. Last evaluated: 2025-12-06. Review status: criteria provided, single submitter. Criteria: Invitae Variant Classification Sherloc (09022015). Collection method: clinical testing. Allele origin: germline.
Comment: This sequence change replaces leucine, which is neutral and non-polar, with methionine, which is neutral and non-polar, at codon 2546 of the KMT2C protein (p.Leu2546Met). This variant is not present in population databases (gnomAD no frequency). This variant has not been reported in the literature in individuals affected with KMT2C-related conditions. Invitae Evidence Modeling of protein sequence and biophysical properties (such as structural, functional, and spatial information, amino acid conservation, physicochemical variation, residue mobility, and thermodynamic stability) indicates that this missense variant is not expected to disrupt KMT2C protein function with a negative predictive value of 80%. In summary, the available evidence is currently insufficient to determine the role of this variant in disease. Therefore, it has been classified as a Variant of Uncertain Significance.

NM_170606.3(KMT2C):c.7636T>A (p.Leu2546Met)

Gene: KMT2C (lysine methyltransferase 2C; minus strand). Cytogenetic location: 7q36.1.
Variant type: single nucleotide variant.
Coding change: c.7636T>A on transcript NM_170606.3 (MANE Select); coding-DNA position 7636, T replaced by A.
Protein change: p.Leu2546Met; replaces leucine 2546 with methionine.
Molecular consequence: missense variant.
Genome position (GRCh38, 1-based): chr7:152,177,817, A>T on the plus strand (T>A on the coding strand, the complement: KMT2C is on the minus strand). VCF-style: chr7-152177817-A-T. GRCh37 (hg19) VCF-style: chr7-151874902-A-T.
Other names: short protein forms L2546M.
Identifiers: ClinVar variation 4762008 (VCV004762008.1).
Genomic context (GRCh38, chr7:152,177,817, plus strand): 5'-GAGCCCTATGTCTCAGTTCAATATATGCTTGGCCCAGTATGTTGTGCTGCTGAACTGGCA[A>T]GCTCTGTGGTGAAAAATGCTGAGGAAGTCCAACTGGATTATTCATTTGTGAGTTATTTAA-3'
Protein context (NP_733751.2, residues 2536-2556): GLPQHFSPQS[Leu2546Met]PVQQHNILGQ